The following is an entry in ClinVar:

NM_003872.3(NRP2):c.2477-3C>T

Gene: NRP2 (neuropilin 2; plus strand). Cytogenetic location: 2q33.3.
Variant type: single nucleotide variant.
Coding change: c.2477-3C>T on transcript NM_003872.3 (MANE Select); 3 bases into the intron before coding-DNA position 2477, C replaced by T.
Molecular consequence: intron variant.
Genome position (GRCh38, 1-based): chr2:205,794,751, C>T. VCF-style: chr2-205794751-C-T. GRCh37 (hg19) VCF-style: chr2-206659475-C-T.
Other names: c.2492-3C>T (NM_201266.2); c.2426-3C>T (NM_201279.2).
Identifiers: ClinVar variation 3061367 (VCV003061367.2), dbSNP rs1158636366, ClinGen allele CA763777565.

ClinVar aggregate classification (germline): Likely benign (0 of 4 stars; one submission).

Conditions:
NRP2-related disorder. Also called: NRP2-related condition.

Allele frequency attached by ClinVar (database versions not stated): TOPMed 0.00001.
gnomAD v4.1: 1 of 1,614,106 alleles (0.000062%); no homozygotes.

Submission:

PreventionGenetics, part of Exact Sciences
Classification: Likely benign for NRP2-related condition. Last evaluated: 2021-08-05. Review status: no assertion criteria provided. Collection method: clinical testing. Allele origin: germline.
Comment: This variant is classified as likely benign based on ACMG/AMP sequence variant interpretation guidelines (Richards et al. 2015 PMID: 25741868, with internal and published modifications).